The following is an entry in ClinVar:

ClinVar aggregate classification (germline): Pathogenic (1 of 4 stars; one submission).

Submission:

Labcorp Genetics (formerly Invitae), Labcorp
Classification: Pathogenic. Last evaluated: 2025-11-03. Review status: criteria provided, single submitter. Criteria: Invitae Variant Classification Sherloc (09022015). Collection method: clinical testing. Allele origin: germline.
Comment: This sequence change creates a premature translational stop signal (p.Asp333Lysfs*6) in the AEBP1 gene. It is expected to result in an absent or disrupted protein product. Loss-of-function variants in AEBP1 are known to be pathogenic (PMID: 29606302). This variant is not present in population databases (gnomAD no frequency). This variant has not been reported in the literature in individuals affected with AEBP1-related conditions. Algorithms developed to predict the effect of sequence changes on RNA splicing suggest that this variant may disrupt the consensus splice site. For these reasons, this variant has been classified as Pathogenic.

Literature cited by the submitters: PubMed 29606302.

NM_001129.5(AEBP1):c.996_999del (p.Asp333fs)

Gene: AEBP1 (AE binding protein 1; plus strand). Cytogenetic location: 7p13.
Variant type: Microsatellite.
Coding change: c.996_999del on transcript NM_001129.5 (MANE Select); coding-DNA positions 996 to 999, 4 bases deleted (AGAC; older notation c.996_999delAGAC).
Protein change: p.Asp333fs; shifts the reading frame from aspartic acid 333.
Molecular consequence: frameshift variant.
Genome position (GRCh38, 1-based): chr7:44,108,954-44,108,957, AGAC deleted; deleting any 4 consecutive bases within chr7:44,108,949-44,108,957 gives the same sequence; the c. name uses the placement nearest the transcript's 3' end. VCF-style (leftmost placement, unchanged base first): chr7-44108948-CCAGA-C. GRCh37 (hg19) VCF-style: chr7-44148547-CCAGA-C.
Other names: short protein forms D333fs.
Identifiers: ClinVar variation 2996828 (VCV002996828.3), dbSNP rs1216272084, ClinGen allele CA838774157.